The following is an entry in ClinVar:

ClinVar aggregate classification (germline): Uncertain significance (1 of 4 stars; one submission).

Conditions:
Hereditary cancer-predisposing syndrome. Also called: Hereditary neoplastic syndrome; Tumor predisposition; Hereditary Cancer Syndrome; Neoplastic Syndromes, Hereditary. Identifiers: Orphanet 140162, MedGen C0027672, MeSH D009386, MONDO:0015356.

Submission:

Ambry Genetics
Classification: Uncertain significance for Hereditary cancer-predisposing syndrome. Last evaluated: 2023-06-25. Review status: criteria provided, single submitter. Criteria: Ambry Variant Classification Scheme 2023. Collection method: clinical testing. Allele origin: germline.
Comment: The p.G201V variant (also known as c.602G>T), located in coding exon 4 of the CDK4 gene, results from a G to T substitution at nucleotide position 602. The glycine at codon 201 is replaced by valine, an amino acid with dissimilar properties. This amino acid position is conserved. In addition, this alteration is predicted to be deleterious by in silico analysis. Since supporting evidence is limited at this time, the clinical significance of this alteration remains unclear.

NM_000075.4(CDK4):c.602G>T (p.Gly201Val)

Gene: CDK4 (cyclin dependent kinase 4; minus strand). Cytogenetic location: 12q14.1.
Variant type: single nucleotide variant.
Coding change: c.602G>T on transcript NM_000075.4 (MANE Select); coding-DNA position 602, G replaced by T.
Protein change: p.Gly201Val; replaces glycine 201 with valine.
Molecular consequence: missense variant.
Genome position (GRCh38, 1-based): chr12:57,750,686, C>A on the plus strand (G>T on the coding strand, the complement: CDK4 is on the minus strand). VCF-style: chr12-57750686-C-A. GRCh37 (hg19) VCF-style: chr12-58144469-C-A.
Other names: short protein forms G201V.
Identifiers: ClinVar variation 2586836 (VCV002586836.2), dbSNP rs1228840061, ClinGen allele CA385545664.